The following is an entry in ClinVar:

ClinVar aggregate classification (germline): Uncertain significance (1 of 4 stars; one submission).

Conditions:
Arrhythmogenic right ventricular dysplasia 13. Also called: ARRHYTHMOGENIC RIGHT VENTRICULAR CARDIOMYOPATHY 13; Arrhythmogenic right ventricular dysplasia, familial, 13. Identifiers: MedGen C3810138, MONDO:0000908, OMIM 615616.

Submission:

Labcorp Genetics (formerly Invitae), Labcorp
Classification: Uncertain significance for Arrhythmogenic right ventricular dysplasia 13. Last evaluated: 2022-07-29. Review status: criteria provided, single submitter. Criteria: Invitae Variant Classification Sherloc (09022015). Collection method: clinical testing. Allele origin: germline.
Comment: In summary, the available evidence is currently insufficient to determine the role of this variant in disease. Therefore, it has been classified as a Variant of Uncertain Significance. Algorithms developed to predict the effect of sequence changes on RNA splicing suggest that this variant may disrupt the consensus splice site. This variant has not been reported in the literature in individuals affected with CTNNA3-related conditions. This variant is not present in population databases (gnomAD no frequency). This sequence change falls in intron 5 of the CTNNA3 gene. It does not directly change the encoded amino acid sequence of the CTNNA3 protein.

NM_013266.4(CTNNA3):c.577_579+11dup

Gene: CTNNA3 (catenin alpha 3; minus strand). Cytogenetic location: 10q21.3.
Variant type: Duplication.
Coding change: c.577_579+11dup on transcript NM_013266.4 (MANE Select); coding-DNA position 577 through 11 bases into the intron after coding-DNA position 579, 14 bases duplicated (CAGGTAGGAGTCAG).
Molecular consequence: splice donor variant.
Genome position (GRCh38, 1-based): chr10:67,521,831-67,521,844, CTGACTCCTACCTG duplicated on the plus strand (CAGGTAGGAGTCAG on the coding strand, the reverse complement: CTNNA3 is on the minus strand); duplicating any 14 consecutive bases within chr10:67,521,831-67,521,849 gives the same sequence; the c. name uses the placement nearest the transcript's 3' end. VCF-style (leftmost placement, unchanged base first): chr10-67521830-T-TCTGACTCCTACCTG. GRCh37 (hg19) VCF-style: chr10-69281588-T-TCTGACTCCTACCTG.
Other names: c.577_579+11dup (NM_001127384.3); c.613_615+11dup (NM_001291133.2).
Identifiers: ClinVar variation 2157853 (VCV002157853.4), dbSNP rs1318598541, ClinGen allele CA667745467.
Genomic context (GRCh38, chr10:67,521,830, plus strand): 5'-ACCTCTGACAGGCAGGATGGCAGGAAGCCTAAAGTGTTCATCTCCTCCACCAAGGAGAGC[T>TCTGACTCCTACCTG]CTGACTCCTACCTGCTGACGTTTGAAGGCTAAATAATCCAAATTTTCCAGCTCCTTCCCA-3'